The following is an entry in ClinVar:

NM_001145358.2(SIN3A):c.2844_2847del (p.Lys948fs)

Gene: SIN3A (SIN3 transcription regulator family member A; minus strand). Cytogenetic location: 15q24.2.
Variant type: Deletion.
Coding change: c.2844_2847del on transcript NM_001145358.2 (MANE Select); coding-DNA positions 2844 to 2847, 4 bases deleted (AGAA; older notation c.2844_2847delAGAA).
Protein change: p.Lys948fs; shifts the reading frame from lysine 948.
Molecular consequence: frameshift variant.
Genome position (GRCh38, 1-based): chr15:75,392,246-75,392,249, TTCT deleted on the plus strand (AGAA on the coding strand, the reverse complement: SIN3A is on the minus strand); deleting any 4 consecutive bases within chr15:75,392,246-75,392,251 gives the same sequence; the c. name uses the placement nearest the transcript's 3' end. VCF-style (leftmost placement, unchanged base first): chr15-75392245-GTTCT-G. GRCh37 (hg19) VCF-style: chr15-75684586-GTTCT-G.
Other names: c.2844_2847del, p.Lys948fs (NM_001145357.2, NM_015477.3); short protein forms K948fs.
Identifiers: ClinVar variation 450996 (VCV000450996.37), dbSNP rs1555443581, ClinGen allele CA658658300.

ClinVar aggregate classification (germline): Pathogenic/Likely pathogenic. Review status: criteria provided, multiple submitters, no conflicts (2 of 4 stars). 4 submissions from 4 submitters: Pathogenic (2); Likely pathogenic (2). Last evaluated 2025-09-02.

Conditions:
SIN3A-related intellectual disability syndrome due to a point mutation. Also called: 15q24 Microdeletion Syndrome; WITTEVEEN-KOLK SYNDROME. Identifiers: Orphanet 500166, Orphanet 94065, MedGen C4310804, MONDO:0044700, OMIM 613406.

Submissions (4):

Labcorp Genetics (formerly Invitae), Labcorp
Classification: Pathogenic. Last evaluated: 2025-09-02. Review status: criteria provided, single submitter. Criteria: Invitae Variant Classification Sherloc (09022015). Collection method: clinical testing. Allele origin: germline.
Comment: This sequence change creates a premature translational stop signal (p.Lys948Asnfs*7) in the SIN3A gene. It is expected to result in an absent or disrupted protein product. Loss-of-function variants in SIN3A are known to be pathogenic (PMID: 27399968). This variant is not present in population databases (gnomAD no frequency). This premature translational stop signal has been observed in individual(s) with SIN3A-related conditions (PMID: 33057194). This variant is also known as 75684586 GTTCT>G. ClinVar contains an entry for this variant (Variation ID: 450996). For these reasons, this variant has been classified as Pathogenic.

CeGaT Center for Human Genetics Tuebingen
Classification: Likely pathogenic. Last evaluated: 2022-01-01. Review status: criteria provided, single submitter. Criteria: CeGaT Center For Human Genetics Tuebingen Variant Classification Criteria Version 2. Collection method: clinical testing. Allele origin: germline. Affected: yes. Observed: 1 variant allele.

GeneDx
Classification: Pathogenic. Last evaluated: 2017-07-31. Review status: criteria provided, single submitter. Criteria: GeneDx Variant Classification (06012015). Collection method: clinical testing. Allele origin: germline. Affected: yes.
Comment: The c.2844_2847delAGAA variant in the SIN3A gene has not been reported previously as a pathogenic variant nor as a benign variant, to our knowledge. The c.2844_2847delAGAA variant causes a frameshift starting with codon Lysine 948, changes this amino acid to an Asparagine residue, and creates a premature Stop codon at position 7 of the new reading frame, denoted p.Lys948AsnfsX7. This variant is predicted to cause loss of normal protein function either through protein truncation or nonsense-mediated mRNA decay. The c.2844_2847delAGAA variant is not observed in large population cohorts (Lek et al., 2016; 1000 Genomes Consortium et al., 2015; Exome Variant Server). We interpret c.2844_2847delAGAA as a pathogenic variant, consistent with clinical features reported in this individual.

Molecular Genetics Department, Kulakov National Medical Research Center for Obstetrics, Gynecology and Perinatology
Classification: Likely pathogenic for SIN3A-related intellectual disability syndrome due to a point mutation. Review status: criteria provided, single submitter. Criteria: ACMG Guidelines, 2015. Collection method: clinical testing. Allele origin: germline. Affected: yes.
Comment: A previously undescribed nucleotide variant creates a frameshift p.Lys948AsnfsTer7 in the SIN3A gene. Loss-of-function variants are reported in patients with Witteveen-Kolk syndrome, 613406. The variant is not present in population database (gnomAD no frequency). In summary, the currently available evidence indicates that the variant is pathogenic, but additional data are needed to prove that conclusively. Therefore, this variant has been classified as likely pathogenic.

Literature cited by the submitters: PubMed 27399968 (cited by Labcorp Genetics (formerly Invitae), Labcorp); PubMed 33057194 (cited by Labcorp Genetics (formerly Invitae), Labcorp).